The following is an entry in ClinVar:

ClinVar aggregate classification (germline): Uncertain significance (1 of 4 stars; one submission).

Conditions:
Inborn genetic diseases. Identifiers: MedGen C0950123, MeSH D030342.

Allele frequency attached by ClinVar (database versions not stated): ExAC 0.00001; gnomAD exomes 0.00001.
gnomAD v4.1: 5 of 1,613,756 alleles (0.00031%); highest among the groups gnomAD compares: South Asian, 0.0055%; no homozygotes.

Submission:

Ambry Genetics
Classification: Uncertain significance for Inborn genetic diseases. Last evaluated: 2020-10-14. Review status: criteria provided, single submitter. Criteria: Ambry Variant Classification Scheme 2023. Collection method: clinical testing. Allele origin: germline.
Comment: The p.T3839S variant (also known as c.11515A>T), located in coding exon 62 of the DST gene, results from an A to T substitution at nucleotide position 11515. The threonine at codon 3839 is replaced by serine, an amino acid with similar properties. This amino acid position is not well conserved in available vertebrate species. In addition, this alteration is predicted to be tolerated by in silico analysis. Since supporting evidence is limited at this time, the clinical significance of this alteration remains unclear.

NM_001374736.1(DST):c.17872A>T (p.Thr5958Ser)

Gene: DST (dystonin; minus strand). Cytogenetic location: 6p12.1.
Variant type: single nucleotide variant.
Coding change: c.17872A>T on transcript NM_001374736.1 (MANE Select); coding-DNA position 17872, A replaced by T.
Protein change: p.Thr5958Ser; replaces threonine 5958 with serine.
Molecular consequence: missense variant.
Genome position (GRCh38, 1-based): chr6:56,527,543, T>A on the plus strand (A>T on the coding strand, the complement: DST is on the minus strand). VCF-style: chr6-56527543-T-A. GRCh37 (hg19) VCF-style: chr6-56392341-T-A.
Other names: c.11515A>T, p.Thr3839Ser (NM_001144769.5); c.11101A>T, p.Thr3701Ser (NM_001144770.2); c.17872A>T, p.Thr5958Ser (NM_001374722.1); c.16912A>T, p.Thr5638Ser (NM_001374729.1); c.10654A>T, p.Thr3552Ser (NM_001374730.1); c.17899A>T, p.Thr5967Ser (NM_001374734.1); c.10981A>T, p.Thr3661Ser (NM_001386100.1, NM_183380.4); c.10003A>T, p.Thr3335Ser (NM_015548.5); short protein forms T5958S, T3335S, T3552S, T5638S, T3661S, T5967S, T3701S, T3839S.
Identifiers: ClinVar variation 1734069 (VCV001734069.2), dbSNP rs750150758, ClinGen allele CA3867350.